The following is an entry in ClinVar:

NM_002894.3(RBBP8):c.875A>T (p.Lys292Ile)

Gene: RBBP8 (RB binding protein 8, endonuclease; plus strand). Cytogenetic location: 18q11.2.
Variant type: single nucleotide variant.
Coding change: c.875A>T on transcript NM_002894.3 (MANE Select); coding-DNA position 875, A replaced by T.
Protein change: p.Lys292Ile; replaces lysine 292 with isoleucine.
Molecular consequence: missense variant.
Genome position (GRCh38, 1-based): chr18:22,991,004, A>T. VCF-style: chr18-22991004-A-T. GRCh37 (hg19) VCF-style: chr18-20570967-A-T.
Other names: c.875A>T, p.Lys292Ile (NM_203291.2, NM_203292.2); short protein forms K292I.
Identifiers: ClinVar variation 1928823 (VCV001928823.4), dbSNP rs1915653140, ClinGen allele CA401775370.

ClinVar aggregate classification (germline): Uncertain significance (1 of 4 stars; one submission).

Allele frequency attached by ClinVar (database versions not stated): TOPMed below 0.00001.

Submission:

Labcorp Genetics (formerly Invitae), Labcorp
Classification: Uncertain significance. Last evaluated: 2025-08-21. Review status: criteria provided, single submitter. Criteria: Invitae Variant Classification Sherloc (09022015). Collection method: clinical testing. Allele origin: germline.
Comment: This sequence change replaces lysine, which is basic and polar, with isoleucine, which is neutral and non-polar, at codon 292 of the RBBP8 protein (p.Lys292Ile). This variant is not present in population databases (gnomAD no frequency). This variant has not been reported in the literature in individuals affected with RBBP8-related conditions. ClinVar contains an entry for this variant (Variation ID: 1928823). Invitae Evidence Modeling of protein sequence and biophysical properties (such as structural, functional, and spatial information, amino acid conservation, physicochemical variation, residue mobility, and thermodynamic stability) indicates that this missense variant is not expected to disrupt RBBP8 protein function with a negative predictive value of 80%. In summary, the available evidence is currently insufficient to determine the role of this variant in disease. Therefore, it has been classified as a Variant of Uncertain Significance.